The following is an entry in ClinVar:

NM_001035.3(RYR2):c.1024G>T (p.Val342Leu)

Gene: RYR2 (ryanodine receptor 2; plus strand). Cytogenetic location: 1q43.
Variant type: single nucleotide variant.
Coding change: c.1024G>T on transcript NM_001035.3 (MANE Select); coding-DNA position 1024, G replaced by T.
Protein change: p.Val342Leu; replaces valine 342 with leucine.
Molecular consequence: missense variant.
Genome position (GRCh38, 1-based): chr1:237,441,337, G>T. VCF-style: chr1-237441337-G-T. GRCh37 (hg19) VCF-style: chr1-237604637-G-T.
Other names: short protein forms V342L.
Identifiers: ClinVar variation 3074806 (VCV003074806.1), dbSNP rs371898166, ClinGen allele CA345375997.
Genomic context (GRCh38, chr1:237,441,337, plus strand): 5'-TTTGAAATGTTTACTGACCTTTTTTTCCTCCTCTCCCCTTAGGAAAAATTGGATGTAGGG[G>T]TGAGAAAAGAAGTAGATGGCATGGGAACATCTGAAATAAAATACGGTGACTCAGTATGCT-3'
Protein context (NP_001026.2, residues 332-352): RSSKEKLDVG[Val342Leu]RKEVDGMGTS

ClinVar aggregate classification (germline): Uncertain significance (1 of 4 stars; one submission).

Conditions:
Catecholaminergic polymorphic ventricular tachycardia (CVPT). Also called: Catecholamine-induced polymorphic ventricular tachycardia. Identifiers: Orphanet 3286, MedGen C5574922, MONDO:0017990.

Submission:

All of Us Research Program, National Institutes of Health
Classification: Uncertain significance for Catecholaminergic polymorphic ventricular tachycardia. Last evaluated: 2023-12-13. Review status: criteria provided, single submitter. Criteria: ACMG Guidelines, 2015. Collection method: clinical testing. Allele origin: germline. Inheritance: Autosomal dominant inheritance. Observed: 1 variant allele, 1 heterozygote.
Comment: This missense variant replaces valine with leucine at codon 342 of the RYR2 protein. Computational prediction suggests that this variant may not impact protein structure and function (internally defined REVEL score threshold <= 0.5, PMID: 27666373). To our knowledge, functional studies have not been reported for this variant. This variant has not been reported in individuals affected with RYR2-related disorders in the literature. This variant has not been identified in the general population by the Genome Aggregation Database (gnomAD). The available evidence is insufficient to determine the role of this variant in disease conclusively. Therefore, this variant is classified as a Variant of Uncertain Significance.

This study involves interpretation of variants in research participants for the purpose of population health screening. Participant phenotype was not available at the time of variant classification. Additional details can be found in publication PMID: 35346344, PMCID: PMC8962531